The following is an entry in ClinVar:

NM_000553.6(WRN):c.2472T>G (p.Phe824Leu)

Gene: WRN (WRN RecQ like helicase; plus strand). Cytogenetic location: 8p12.
Variant type: single nucleotide variant.
Coding change: c.2472T>G on transcript NM_000553.6 (MANE Select); coding-DNA position 2472, T replaced by G.
Protein change: p.Phe824Leu; replaces phenylalanine 824 with leucine.
Molecular consequence: missense variant.
Genome position (GRCh38, 1-based): chr8:31,120,266, T>G. VCF-style: chr8-31120266-T-G. GRCh37 (hg19) VCF-style: chr8-30977782-T-G.
Other names: short protein forms F824L.
Identifiers: ClinVar variation 2005042 (VCV002005042.4), dbSNP rs2535986280, ClinGen allele CA370915223.

ClinVar aggregate classification (germline): Uncertain significance (1 of 4 stars; one submission).

Conditions:
Werner syndrome (WRN). Identifiers: Orphanet 902, MedGen C0043119, MONDO:0010196, OMIM 277700.

Submission:

Labcorp Genetics (formerly Invitae), Labcorp
Classification: Uncertain significance for Werner syndrome. Last evaluated: 2022-09-01. Review status: criteria provided, single submitter. Criteria: Invitae Variant Classification Sherloc (09022015). Collection method: clinical testing. Allele origin: germline.
Comment: In summary, the available evidence is currently insufficient to determine the role of this variant in disease. Therefore, it has been classified as a Variant of Uncertain Significance. Algorithms developed to predict the effect of sequence changes on RNA splicing suggest that this variant may disrupt the consensus splice site. Algorithms developed to predict the effect of missense changes on protein structure and function are either unavailable or do not agree on the potential impact of this missense change (SIFT: "Not Available"; PolyPhen-2: "Probably Damaging"; Align-GVGD: "Not Available"). This variant has not been reported in the literature in individuals affected with WRN-related conditions. This variant is not present in population databases (gnomAD no frequency). This sequence change replaces phenylalanine, which is neutral and non-polar, with leucine, which is neutral and non-polar, at codon 824 of the WRN protein (p.Phe824Leu).